The following is an entry in ClinVar:

NM_130839.5(UBE3A):c.46A>G (p.Ile16Val)

Genes: SNHG14 (small nucleolar RNA host gene 14; plus strand), UBE3A (ubiquitin protein ligase E3A; minus strand). Cytogenetic location: 15q11.2.
Variant type: single nucleotide variant.
Coding change: c.46A>G on transcript NM_130839.5 (MANE Select); coding-DNA position 46, A replaced by G.
Protein change: p.Ile16Val; replaces isoleucine 16 with valine.
Molecular consequence: missense variant. On other transcripts: 5 prime UTR variant (21), non-coding transcript variant (1), intron variant (1).
Genome position (GRCh38, 1-based): chr15:25,405,477, T>C on the plus strand (A>G on the coding strand, the complement: UBE3A is on the minus strand). VCF-style: chr15-25405477-T-C. GRCh37 (hg19) VCF-style: chr15-25650624-T-C.
Other names: c.55A>G, p.Ile19Val (NM_000462.5); c.46A>G, p.Ile16Val (NM_001354505.1, NM_001354538.2, NM_001354545.2 and 1 more transcripts); c.-15A>G (NM_001354506.2, NM_001354507.2, NM_001354508.2 and 17 more transcripts); c.-128A>G (NM_001354523.2); c.-115-29714A>G (NM_001354546.2); short protein forms I19V, I16V.
Identifiers: ClinVar variation 431879 (VCV000431879.2), dbSNP rs777538399, ClinGen allele CA7435703.

ClinVar aggregate classification (germline): Uncertain significance (1 of 4 stars; one submission).

Allele frequency attached by ClinVar (database versions not stated): gnomAD exomes below 0.00001 and 0.00002; ExAC 0.00002; gnomAD 0.00003.
gnomAD v4.1: 11 of 1,613,822 alleles (0.00068%); highest among the groups gnomAD compares: Non-Finnish European, 0.000085%; no homozygotes.

Submission:

GeneDx
Classification: Uncertain significance. Last evaluated: 2015-07-07. Review status: criteria provided, single submitter. Criteria: GeneDx Variant Classification (06012015). Collection method: clinical testing. Allele origin: germline. Affected: yes.
Comment: In the primary transcript of UBE3A (NM_130838.1), the I16V variant is located in the 5' untranslated region, while in the alternative transcript (NM_130839.1), it is located in exon 4. This variant has not been published as a pathogenic variant, nor has it been reported as a benign polymorphism to our knowledge. It was not observed in approximately 6,500 individuals of European and African American ancestry in the NHLBI Exome Sequencing Project, indicating it is not a common benign variant in these populations. The I16V variant is a conservative amino acid substitution, which is not likely to impact secondary protein structure as these residues share similar properties. This substitution occurs at a position that is not conserved, and Valine is observed at this position in evolution. However, in silico analysis is inconsistent in its predictions as to whether or not the I16V variant is damaging to the protein structure/function. Based on the currently available information, it is unclear whether the I16V variant is a pathogenic or a rare benign variant.